The following is an entry in ClinVar:

NM_004369.4(COL6A3):c.6617C>G (p.Pro2206Arg)

Gene: COL6A3 (collagen type VI alpha 3 chain; minus strand). Cytogenetic location: 2q37.3.
Variant type: single nucleotide variant.
Coding change: c.6617C>G on transcript NM_004369.4 (MANE Select); coding-DNA position 6617, C replaced by G.
Protein change: p.Pro2206Arg; replaces proline 2206 with arginine.
Molecular consequence: missense variant.
Genome position (GRCh38, 1-based): chr2:237,354,909, G>C on the plus strand (C>G on the coding strand, the complement: COL6A3 is on the minus strand). VCF-style: chr2-237354909-G-C. GRCh37 (hg19) VCF-style: chr2-238263552-G-C.
Other names: c.4796C>G, p.Pro1599Arg (NM_057166.5); c.5999C>G, p.Pro2000Arg (NM_057167.4); short protein forms P1599R, P2000R, P2206R.
Identifiers: ClinVar variation 1308346 (VCV001308346.2), dbSNP rs1451371831, ClinGen allele CA351213681.

ClinVar aggregate classification (germline): Uncertain significance (1 of 4 stars; one submission).

Allele frequency attached by ClinVar (database versions not stated): gnomAD exomes below 0.00001.
gnomAD v4.1: 3 of 1,613,850 alleles (0.00019%); highest among the groups gnomAD compares: Non-Finnish European, 0.00025%; no homozygotes.

Submission:

GeneDx
Classification: Uncertain significance. Last evaluated: 2019-04-01. Review status: criteria provided, single submitter. Criteria: GeneDx Variant Classification Process June 2021. Collection method: clinical testing. Allele origin: germline. Affected: yes.
Comment: Not observed at a significant frequency in large population cohorts (Lek et al., 2016); In silico analysis, which includes protein predictors and evolutionary conservation, supports a deleterious effect; Has not been previously published as pathogenic or benign to our knowledge